The following is an entry in ClinVar:

NM_006662.3(SRCAP):c.4185G>T (p.Leu1395Phe)

Gene: SRCAP (Snf2 related CREBBP activator protein; plus strand). Cytogenetic location: 16p11.2.
Variant type: single nucleotide variant.
Coding change: c.4185G>T on transcript NM_006662.3 (MANE Select); coding-DNA position 4185, G replaced by T.
Protein change: p.Leu1395Phe; replaces leucine 1395 with phenylalanine.
Molecular consequence: missense variant.
Genome position (GRCh38, 1-based): chr16:30,723,609, G>T. VCF-style: chr16-30723609-G-T. GRCh37 (hg19) VCF-style: chr16-30734930-G-T.
Other names: short protein forms L1395F.
Identifiers: ClinVar variation 4530953 (VCV004530953.1).

ClinVar aggregate classification (germline): Uncertain significance (1 of 4 stars; one submission).

Submission:

GeneDx
Classification: Uncertain significance. Last evaluated: 2025-05-18. Review status: criteria provided, single submitter. Criteria: GeneDx Variant Classification Process June 2021. Collection method: clinical testing. Allele origin: germline. Affected: yes.
Comment: Not observed at significant frequency in large population cohorts (gnomAD); In silico analysis suggests that this missense variant does not alter protein structure/function; Has not been previously published as pathogenic or benign to our knowledge